The following is an entry in ClinVar:

ClinVar aggregate classification (germline): Uncertain significance (1 of 4 stars; one submission).

gnomAD v4.1: 1 of 1,612,854 alleles (0.000062%); highest among the groups gnomAD compares: Non-Finnish European, 0.000085%; no homozygotes.

Submission:

Labcorp Genetics (formerly Invitae), Labcorp
Classification: Uncertain significance. Last evaluated: 2022-03-19. Review status: criteria provided, single submitter. Criteria: Invitae Variant Classification Sherloc (09022015). Collection method: clinical testing. Allele origin: germline.
Comment: This sequence change replaces threonine, which is neutral and polar, with isoleucine, which is neutral and non-polar, at codon 1510 of the RUSC2 protein (p.Thr1510Ile). This variant is not present in population databases (gnomAD no frequency). This variant has not been reported in the literature in individuals affected with RUSC2-related conditions. Algorithms developed to predict the effect of missense changes on protein structure and function are either unavailable or do not agree on the potential impact of this missense change (SIFT: "Tolerated"; PolyPhen-2: "Not Available"; Align-GVGD: "Class C0"). In summary, the available evidence is currently insufficient to determine the role of this variant in disease. Therefore, it has been classified as a Variant of Uncertain Significance.

NM_014806.5(RUSC2):c.4529C>T (p.Thr1510Ile)

Gene: RUSC2 (RUN and SH3 domain containing 2; plus strand). Cytogenetic location: 9p13.3.
Variant type: single nucleotide variant.
Coding change: c.4529C>T on transcript NM_014806.5 (MANE Select); coding-DNA position 4529, C replaced by T.
Protein change: p.Thr1510Ile; replaces threonine 1510 with isoleucine.
Molecular consequence: missense variant. On other transcripts: non-coding transcript variant (1).
Genome position (GRCh38, 1-based): chr9:35,561,360, C>T. VCF-style: chr9-35561360-C-T. GRCh37 (hg19) VCF-style: chr9-35561357-C-T.
Other names: c.4529C>T, p.Thr1510Ile (NM_001135999.2); c.1895C>T, p.Thr632Ile (NM_001330740.2); short protein forms T1510I, T632I.
Identifiers: ClinVar variation 1936724 (VCV001936724.5), dbSNP rs1250455719, ClinGen allele CA373358212.
Genomic context (GRCh38, chr9:35,561,360, plus strand): 5'-GCCCCGACTCTGGCCTGGTGCCCCTGGCCTACGTGACATTGACCCCAACTCCAAGTCCAA[C>T]CCCTGGAAGCAGCCAAAACTGAGGCCCTGTGCATGCTGGTGGCCTCAGGGACCCTCATAA-3'
Protein context (NP_055621.2, residues 1500-1516): YVTLTPTPSP[Thr1510Ile]PGSSQN